The following is an entry in ClinVar:

ClinVar aggregate classification (germline): Uncertain significance (1 of 4 stars; one submission).

Conditions:
Familial adenomatous polyposis 1 (FAP1). Also called: POLYPOSIS, ADENOMATOUS INTESTINAL; FAMILIAL ADENOMATOUS POLYPOSIS 1, ATTENUATED. Identifiers: MedGen C2713442, MONDO:0021056, OMIM 175100. Disease mechanism: loss of function.

Submission:

Labcorp Genetics (formerly Invitae), Labcorp
Classification: Uncertain significance for Familial adenomatous polyposis 1. Last evaluated: 2025-01-08. Review status: criteria provided, single submitter. Criteria: Invitae Variant Classification Sherloc (09022015). Collection method: clinical testing. Allele origin: germline.
Comment: This sequence change replaces asparagine, which is neutral and polar, with tyrosine, which is neutral and polar, at codon 2206 of the APC protein (p.Asn2206Tyr). This variant is not present in population databases (gnomAD no frequency). This variant has not been reported in the literature in individuals affected with APC-related conditions. ClinVar contains an entry for this variant (Variation ID: 2132974). Invitae Evidence Modeling of protein sequence and biophysical properties (such as structural, functional, and spatial information, amino acid conservation, physicochemical variation, residue mobility, and thermodynamic stability) indicates that this missense variant is not expected to disrupt APC protein function with a negative predictive value of 95%. In summary, the available evidence is currently insufficient to determine the role of this variant in disease. Therefore, it has been classified as a Variant of Uncertain Significance.

NM_000038.6(APC):c.6616A>T (p.Asn2206Tyr)

Gene: APC (APC regulator of Wnt signaling pathway; plus strand). Cytogenetic location: 5q22.2.
Variant type: single nucleotide variant.
Coding change: c.6616A>T on transcript NM_000038.6 (MANE Select); coding-DNA position 6616, A replaced by T.
Protein change: p.Asn2206Tyr; replaces asparagine 2206 with tyrosine.
Molecular consequence: missense variant.
Genome position (GRCh38, 1-based): chr5:112,842,210, A>T. VCF-style: chr5-112842210-A-T. GRCh37 (hg19) VCF-style: chr5-112177907-A-T.
Other names: c.6616A>T, p.Asn2206Tyr (NM_001127510.3, NM_001354895.2, NM_001407450.1); c.6562A>T, p.Asn2188Tyr (NM_001127511.3); c.6670A>T, p.Asn2224Tyr (NM_001354896.2, NM_001407447.1, NM_001407448.1 and 1 more transcripts); c.6646A>T, p.Asn2216Tyr (NM_001354897.2); c.6541A>T, p.Asn2181Tyr (NM_001354898.2); c.6532A>T, p.Asn2178Tyr (NM_001354899.2); c.6493A>T, p.Asn2165Tyr (NM_001354900.2); c.6439A>T, p.Asn2147Tyr (NM_001354901.2, NM_001407453.1); and 11 more; short protein forms N2046Y, N2123Y, N2147Y, N2196Y, N2199Y, N2077Y, N2080Y, N2165Y.
Identifiers: ClinVar variation 2132974 (VCV002132974.4), dbSNP rs1580672759, ClinGen allele CA16035803.
Genomic context (GRCh38, chr5:112,842,210, plus strand): 5'-AAAGGAATCAAAGGAGGAAAAAAAGTTTATAAAAGTTTGATTACTGGAAAAGTTCGATCT[A>T]ATTCAGAAATTTCAGGCCAAATGAAACAGCCCCTTCAAGCAAACATGCCTTCAATCTCTC-3'
Protein context (NP_000029.2, residues 2196-2216): KSLITGKVRS[Asn2206Tyr]SEISGQMKQP